The following is an entry in ClinVar:

ClinVar aggregate classification (germline): Uncertain significance (1 of 4 stars; one submission).

Conditions:
Inborn genetic diseases. Identifiers: MedGen C0950123, MeSH D030342.

Submission:

Ambry Genetics
Classification: Uncertain significance for Inborn genetic diseases. Last evaluated: 2025-03-20. Review status: criteria provided, single submitter. Criteria: Ambry Variant Classification Scheme 2023. Collection method: clinical testing. Allele origin: germline.
Comment: The p.R506L variant (also known as c.1517G>T), located in coding exon 6 of the MBD4 gene, results from a G to T substitution at nucleotide position 1517. The arginine at codon 506 is replaced by leucine, an amino acid with dissimilar properties. This amino acid position is conserved. In addition, this alteration is predicted to be deleterious by in silico analysis. Based on the available evidence, the clinical significance of this variant remains unclear.

NM_001276270.2(MBD4):c.1517G>T (p.Arg506Leu)

Gene: MBD4 (methyl-CpG binding domain 4, DNA glycosylase; minus strand). Cytogenetic location: 3q21.3.
Variant type: single nucleotide variant.
Coding change: c.1517G>T on transcript NM_001276270.2 (MANE Select); coding-DNA position 1517, G replaced by T.
Protein change: p.Arg506Leu; replaces arginine 506 with leucine.
Molecular consequence: missense variant.
Genome position (GRCh38, 1-based): chr3:129,433,124, C>A on the plus strand (G>T on the coding strand, the complement: MBD4 is on the minus strand). VCF-style: chr3-129433124-C-A. GRCh37 (hg19) VCF-style: chr3-129151967-C-A.
Other names: c.1535G>T, p.Arg512Leu (NM_001276271.2, NM_001276272.2, NM_003925.3); c.581G>T, p.Arg194Leu (NM_001276273.2); short protein forms R194L, R512L, R506L.
Identifiers: ClinVar variation 4052169 (VCV004052169.1).
Genomic context (GRCh38, chr3:129,433,124, plus strand): 5'-ATTATGTTTTTCCTTTGGGTGTATAGGAAAATACCTGAGAACTTGACAATGGTTTTTGCC[C>A]GAAGATCGTAGAGACCAAGAGGTTTAAGAAGTTCTGACACATCTCTCCAGTCTGCGGTTC-3'
Protein context (NP_001263199.1, residues 496-516): LLKPLGLYDL[Arg506Leu]AKTIVKFSDE